The following is an entry in ClinVar:

NM_001458.5(FLNC):c.1867G>A (p.Asp623Asn)

Gene: FLNC (filamin C; plus strand). Cytogenetic location: 7q32.1.
Variant type: single nucleotide variant.
Coding change: c.1867G>A on transcript NM_001458.5 (MANE Select); coding-DNA position 1867, G replaced by A.
Protein change: p.Asp623Asn; replaces aspartic acid 623 with asparagine.
Molecular consequence: missense variant.
Genome position (GRCh38, 1-based): chr7:128,841,223, G>A. VCF-style: chr7-128841223-G-A. GRCh37 (hg19) VCF-style: chr7-128481277-G-A.
Other names: c.1867G>A, p.Asp623Asn (NM_001127487.2); short protein forms D623N.
Identifiers: ClinVar variation 1042149 (VCV001042149.6), dbSNP rs912680912, ClinGen allele CA166217157.

ClinVar aggregate classification (germline): Uncertain significance. Review status: criteria provided, multiple submitters, no conflicts (2 of 4 stars). 2 submissions from 2 submitters: Uncertain significance (2). Last evaluated 2023-11-29.

Conditions:
Myofibrillar myopathy 5. Also called: FILAMINOPATHY, AUTOSOMAL DOMINANT; Filaminopathy (type). Identifiers: Orphanet 171445, MedGen C1836050, MONDO:0012289, OMIM 609524.
Distal myopathy with posterior leg and anterior hand involvement. Also called: WILLIAMS DISTAL MYOPATHY. Identifiers: Orphanet 63273, MedGen C3279722, MONDO:0013550, OMIM 614065.
Hypertrophic cardiomyopathy 26. Also called: Cardiomyopathy, familial hypertrophic, 26. Identifiers: Orphanet 75249, MedGen C4310749, MONDO:0014883, OMIM 617047.
Dilated Cardiomyopathy, Dominant.
Cardiovascular phenotype. Identifiers: MedGen CN230736.

Allele frequency attached by ClinVar (database versions not stated): TOPMed below 0.00001; gnomAD 0.00001.
gnomAD v4.1: 1 of 1,614,012 alleles (0.000062%); highest among the groups gnomAD compares: African/African-American, 0.0013%; no homozygotes.

Submissions (2):

Ambry Genetics
Classification: Uncertain significance for Cardiovascular phenotype. Last evaluated: 2023-11-29. Review status: criteria provided, single submitter. Criteria: Ambry Variant Classification Scheme 2023. Collection method: clinical testing. Allele origin: germline.
Comment: The p.D623N variant (also known as c.1867G>A), located in coding exon 12 of the FLNC gene, results from a G to A substitution at nucleotide position 1867. The aspartic acid at codon 623 is replaced by asparagine, an amino acid with highly similar properties. This amino acid position is conserved. In addition, the in silico prediction for this alteration is inconclusive. Since supporting evidence is limited at this time, the clinical significance of this alteration remains unclear.

Labcorp Genetics (formerly Invitae), Labcorp
Classification: Uncertain significance for Distal myopathy with posterior leg and anterior hand involvement; Myofibrillar myopathy 5; Hypertrophic cardiomyopathy 26. Last evaluated: 2021-11-28. Review status: criteria provided, single submitter. Criteria: Invitae Variant Classification Sherloc (09022015). Collection method: clinical testing. Allele origin: germline.
Comment: This sequence change replaces aspartic acid, which is acidic and polar, with asparagine, which is neutral and polar, at codon 623 of the FLNC protein (p.Asp623Asn). This variant is not present in population databases (gnomAD no frequency). This variant has not been reported in the literature in individuals affected with FLNC-related conditions. ClinVar contains an entry for this variant (Variation ID: 1042149). Algorithms developed to predict the effect of missense changes on protein structure and function (SIFT, PolyPhen-2, Align-GVGD) all suggest that this variant is likely to be tolerated. In summary, the available evidence is currently insufficient to determine the role of this variant in disease. Therefore, it has been classified as a Variant of Uncertain Significance.